The following is an entry in ClinVar:

ClinVar aggregate classification (germline): Likely pathogenic. Review status: criteria provided, multiple submitters, no conflicts (2 of 4 stars). 2 submissions from 2 submitters: Likely pathogenic (2). Last evaluated 2015-12-01.

Conditions:
Congenital myopathy 2c, severe infantile, autosomal dominant (CMYO2C). Identifiers: MedGen C5830333, MONDO:0859523, OMIM 620278.

Submissions (2):

Center for Pediatric Genomic Medicine, Children's Mercy Hospital and Clinics
Classification: Likely pathogenic for Congenital myopathy 2c, severe infantile, autosomal dominant. Last evaluated: 2015-12-01. Review status: criteria provided, single submitter. Criteria: ACMG Guidelines, 2015. Collection method: clinical testing. Allele origin: de novo. Affected: yes.
Comment: PS2, PM2_supp, PM5_supp, PP3

Suma Genomics
Classification: Likely pathogenic for Congenital myopathy 2c, severe infantile, autosomal dominant. Review status: criteria provided, single submitter. Criteria: ACMG Guidelines, 2015. Collection method: clinical testing. Allele origin: de novo. Inheritance: Autosomal dominant inheritance. Affected: yes. Observed: 1 heterozygote.
Comment: A missense variant c.589G>A, p.(Glu197Lys) is observed in exon 4 of ACTA1 in heterozygous state. This variant is not observed in the gnomAD database. In-silico analysis tool REVEL is consistent in predicting this variant to be disease-causing. ACMG classification: Likley pathogenic Criteria met: PM1_Moderate, PM2_Supporting, PM5_Strong, PM6_Supporting and PP3_Supporting.

NM_001100.4(ACTA1):c.589G>A (p.Glu197Lys)

Gene: ACTA1 (actin alpha 1, skeletal muscle; minus strand). Cytogenetic location: 1q42.13.
Variant type: single nucleotide variant.
Coding change: c.589G>A on transcript NM_001100.4 (MANE Select); coding-DNA position 589, G replaced by A.
Protein change: p.Glu197Lys; replaces glutamic acid 197 with lysine.
Molecular consequence: missense variant.
Genome position (GRCh38, 1-based): chr1:229,432,297, C>T on the plus strand (G>A on the coding strand, the complement: ACTA1 is on the minus strand). VCF-style: chr1-229432297-C-T. GRCh37 (hg19) VCF-style: chr1-229568044-C-T.
Other names: short protein forms E197K.
Identifiers: ClinVar variation 3600996 (VCV003600996.2).
Genomic context (GRCh38, chr1:229,432,297, plus strand): 5'-CCCTCCCGCCCGGGGTGCAGGGGCGCCGCGCACCTGTGGTCACGAAGGAGTAGCCACGCT[C>T]AGTGAGGATCTTCATCAGGTAGTCGGTGAGATCGCGGCCCGCCAGGTCCAGGCGCATGAT-3'
Protein context (NP_001091.1, residues 187-207): LTDYLMKILT[Glu197Lys]RGYSFVTTAE